The following is an entry in ClinVar:

ClinVar aggregate classification (germline): Pathogenic (1 of 4 stars; one submission).

Submission:

Labcorp Genetics (formerly Invitae), Labcorp
Classification: Pathogenic. Last evaluated: 2025-07-13. Review status: criteria provided, single submitter. Criteria: Invitae Variant Classification Sherloc (09022015). Collection method: clinical testing. Allele origin: germline.
Comment: This sequence change creates a premature translational stop signal (p.His1514Thrfs*66) in the SETBP1 gene. While this is not anticipated to result in nonsense mediated decay, it is expected to disrupt the last 83 amino acid(s) of the SETBP1 protein. This variant is not present in population databases (gnomAD no frequency). This variant has not been reported in the literature in individuals affected with SETBP1-related conditions. This variant disrupts a region of the SETBP1 protein in which other variant(s) (p.Pro1532Thr) have been determined to be pathogenic (internal data). This suggests that this is a clinically significant region of the protein, and that variants that disrupt it are likely to be disease-causing. For these reasons, this variant has been classified as Pathogenic.

NM_015559.3(SETBP1):c.4540del (p.His1514fs)

Gene: SETBP1 (SET binding protein 1; plus strand). Cytogenetic location: 18q12.3.
Variant type: Deletion.
Coding change: c.4540del on transcript NM_015559.3 (MANE Select); coding-DNA position 4540, one base deleted (C; older notation c.4540delC).
Protein change: p.His1514fs; shifts the reading frame from histidine 1514.
Molecular consequence: frameshift variant.
Genome position (GRCh38, 1-based): chr18:45,063,447, C deleted; the last of 2 consecutive C bases (chr18:45,063,446-45,063,447); deleting either gives the same sequence. VCF-style (leftmost placement, unchanged base first): chr18-45063445-TC-T. GRCh37 (hg19) VCF-style: chr18-42643410-TC-T.
Other names: c.4540del, p.His1514fs (NM_001379141.1, NM_001379142.1); c.4369del, p.His1457fs (NM_001410862.1); short protein forms H1514fs, H1457fs.
Identifiers: ClinVar variation 4723109 (VCV004723109.1).